The following is an entry in ClinVar:

ClinVar aggregate classification (germline): Likely pathogenic. Review status: criteria provided, multiple submitters, no conflicts (2 of 4 stars). 2 submissions from 2 submitters: Likely pathogenic (2). Last evaluated 2026-02-02.

Conditions:
Tumor predisposition syndrome 2 (TPDS2). Also called: MBD4-ASSOCIATED NEOPLASIA SYNDROME; MBD4-Related Tumor Predisposition Syndrome; MBD4-associated neoplasia syndrome (MANS). Identifiers: Orphanet 661526, MedGen C5774186, MONDO:0859267, OMIM 619975.

Submissions (2):

Labcorp Genetics (formerly Invitae), Labcorp
Classification: Likely pathogenic. Last evaluated: 2026-02-02. Review status: criteria provided, single submitter. Criteria: Invitae Variant Classification Sherloc (09022015). Collection method: clinical testing. Allele origin: germline.
Comment: This sequence change affects a donor splice site in intron 1 of the MBD4 gene. It is expected to disrupt RNA splicing. Variants that disrupt the donor or acceptor splice site typically lead to a loss of protein function (PMID: 16199547), and loss-of-function variants in MBD4 are known to be pathogenic (PMID: 30049810, 35460607). The frequency data for this variant in the population databases is considered unreliable, as metrics indicate poor data quality at this position in the gnomAD database. This variant has not been reported in the literature in individuals affected with MBD4-related conditions. ClinVar contains an entry for this variant (Variation ID: 3643354). Algorithms developed to predict the effect of sequence changes on RNA splicing suggest that this variant may disrupt the consensus splice site. In summary, the currently available evidence indicates that the variant is pathogenic, but additional data are needed to prove that conclusively. Therefore, this variant has been classified as Likely Pathogenic.

Myriad Genetics, Inc.
Classification: Likely pathogenic for Tumor predisposition syndrome 2. Last evaluated: 2025-12-23. Review status: criteria provided, single submitter. Criteria: Myriad Autosomal Dominant, Autosomal Recessive and X-Linked Classification Criteria (2023). Collection method: clinical testing. Allele origin: unknown.
Comment: This variant is considered likely pathogenic. This variant occurs within a consensus splice junction and is predicted to result in abnormal mRNA splicing of either an out-of-frame exon or an in-frame exon necessary for protein stability and/or normal function.

Literature cited by the submitters: PubMed 16199547 (cited by Labcorp Genetics (formerly Invitae), Labcorp); PubMed 30049810 (cited by Labcorp Genetics (formerly Invitae), Labcorp); PubMed 35460607 (cited by Labcorp Genetics (formerly Invitae), Labcorp).

NM_001276270.2(MBD4):c.104+1G>A

Gene: MBD4 (methyl-CpG binding domain 4, DNA glycosylase; minus strand). Cytogenetic location: 3q21.3.
Variant type: single nucleotide variant.
Coding change: c.104+1G>A on transcript NM_001276270.2 (MANE Select); the canonical splice donor site of the intron after coding-DNA position 104, G replaced by A.
Molecular consequence: splice donor variant.
Genome position (GRCh38, 1-based): chr3:129,439,729, C>T on the plus strand (G>A on the coding strand, the complement: MBD4 is on the minus strand). VCF-style: chr3-129439729-C-T. GRCh37 (hg19) VCF-style: chr3-129158572-C-T.
Other names: c.104+1G>A (NM_001276273.2, NM_001276272.2, NM_003925.3 and 1 more transcripts).
Identifiers: ClinVar variation 3643354 (VCV003643354.3).